The following is an entry in ClinVar:

ClinVar aggregate classification (germline): Conflicting classifications of pathogenicity. Review status: criteria provided, conflicting classifications (1 of 4 stars). 3 submissions from 3 submitters: Uncertain significance (2); Likely benign (1). Last evaluated 2025-06-07.

Conditions:
Holoprosencephaly 11 (HPE11). Identifiers: Orphanet 2162, MedGen C3280215, MONDO:0013642, OMIM 614226.
Inborn genetic diseases. Identifiers: MedGen C0950123, MeSH D030342.

Allele frequency attached by ClinVar (database versions not stated): gnomAD exomes 0.00001 and 0.00007; TOPMed 0.00001; ExAC 0.00009.
gnomAD v4.1: 18 of 1,598,924 alleles (0.0011%); highest among the groups gnomAD compares: Admixed American, 0.03%; no homozygotes.

Submissions (3):

Ambry Genetics
Classification: Likely benign for Inborn genetic diseases. Last evaluated: 2025-06-07. Review status: criteria provided, single submitter. Criteria: Ambry Variant Classification Scheme 2023. Collection method: clinical testing. Allele origin: germline.

GeneDx
Classification: Uncertain significance. Last evaluated: 2023-03-06. Review status: criteria provided, single submitter. Criteria: GeneDx Variant Classification Process June 2021. Collection method: clinical testing. Allele origin: germline. Affected: yes.
Comment: In silico analysis supports that this missense variant does not alter protein structure/function; Has not been previously published as pathogenic or benign to our knowledge

Labcorp Genetics (formerly Invitae), Labcorp
Classification: Uncertain significance for Holoprosencephaly 11. Last evaluated: 2021-04-28. Review status: criteria provided, single submitter. Criteria: Invitae Variant Classification Sherloc (09022015). Collection method: clinical testing. Allele origin: germline.
Comment: This sequence change replaces serine with asparagine at codon 875 of the CDON protein (p.Ser875Asn). The serine residue is highly conserved and there is a small physicochemical difference between serine and asparagine. In summary, the available evidence is currently insufficient to determine the role of this variant in disease. Therefore, it has been classified as a Variant of Uncertain Significance. This variant has not been reported in the literature in individuals with CDON-related conditions. This variant is present in population databases (rs770564593, ExAC 0.1%). Algorithms developed to predict the effect of missense changes on protein structure and function (SIFT, PolyPhen-2, Align-GVGD) all suggest that this variant is likely to be disruptive, but these predictions have not been confirmed by published functional studies and their clinical significance is uncertain.

NM_001378964.1(CDON):c.2624G>A (p.Ser875Asn)

Gene: CDON (cell adhesion associated, oncogene regulated; minus strand). Cytogenetic location: 11q24.2.
Variant type: single nucleotide variant.
Coding change: c.2624G>A on transcript NM_001378964.1 (MANE Select); coding-DNA position 2624, G replaced by A.
Protein change: p.Ser875Asn; replaces serine 875 with asparagine.
Molecular consequence: missense variant.
Genome position (GRCh38, 1-based): chr11:125,994,310, C>T on the plus strand (G>A on the coding strand, the complement: CDON is on the minus strand). VCF-style: chr11-125994310-C-T. GRCh37 (hg19) VCF-style: chr11-125864205-C-T.
Other names: c.2624G>A, p.Ser875Asn (NM_001243597.3, NM_016952.6); short protein forms S875N.
Identifiers: ClinVar variation 1358028 (VCV001358028.9), dbSNP rs770564593, ClinGen allele CA6351665.